The following is an entry in ClinVar:

ClinVar aggregate classification (germline): Uncertain significance. Review status: criteria provided, multiple submitters, no conflicts (2 of 4 stars). 2 submissions from 2 submitters: Uncertain significance (2). Last evaluated 2026-03-15.

Conditions:
Inborn genetic diseases. Identifiers: MedGen C0950123, MeSH D030342.
Fanconi anemia (FA). Also called: Fanconi's anemia. Identifiers: Orphanet 84, MedGen C0015625, MeSH D005199, MONDO:0019391.

Allele frequency attached by ClinVar (database versions not stated): gnomAD exomes below 0.00001.
gnomAD v4.1: 1 of 1,614,120 alleles (0.000062%); highest among the groups gnomAD compares: Non-Finnish European, 0.000085%; no homozygotes.

Submissions (2):

Ambry Genetics
Classification: Uncertain significance for Inborn genetic diseases. Last evaluated: 2026-03-15. Review status: criteria provided, single submitter. Criteria: Ambry Variant Classification Scheme 2023. Collection method: clinical testing. Allele origin: germline.
Comment: The p.A127V variant (also known as c.380C>T), located in coding exon 4 of the FANCA gene, results from a C to T substitution at nucleotide position 380. The alanine at codon 127 is replaced by valine, an amino acid with similar properties. This amino acid position is conserved. In addition, this alteration is predicted to be tolerated by in silico analysis. Based on the available evidence, the clinical significance of this variant remains unclear.

Labcorp Genetics (formerly Invitae), Labcorp
Classification: Uncertain significance for Fanconi anemia. Last evaluated: 2024-02-11. Review status: criteria provided, single submitter. Criteria: Invitae Variant Classification Sherloc (09022015). Collection method: clinical testing. Allele origin: germline.
Comment: This sequence change replaces alanine, which is neutral and non-polar, with valine, which is neutral and non-polar, at codon 127 of the FANCA protein (p.Ala127Val). This variant is not present in population databases (gnomAD no frequency). This variant has not been reported in the literature in individuals affected with FANCA-related conditions. ClinVar contains an entry for this variant (Variation ID: 1373120). Advanced modeling of protein sequence and biophysical properties (such as structural, functional, and spatial information, amino acid conservation, physicochemical variation, residue mobility, and thermodynamic stability) performed at Invitae indicates that this missense variant is not expected to disrupt FANCA protein function with a negative predictive value of 80%. In summary, the available evidence is currently insufficient to determine the role of this variant in disease. Therefore, it has been classified as a Variant of Uncertain Significance.

NM_000135.4(FANCA):c.380C>T (p.Ala127Val)

Gene: FANCA (FA complementation group A; minus strand). Cytogenetic location: 16q24.3.
Variant type: single nucleotide variant.
Coding change: c.380C>T on transcript NM_000135.4 (MANE Select); coding-DNA position 380, C replaced by T.
Protein change: p.Ala127Val; replaces alanine 127 with valine.
Molecular consequence: missense variant.
Genome position (GRCh38, 1-based): chr16:89,810,975, G>A on the plus strand (C>T on the coding strand, the complement: FANCA is on the minus strand). VCF-style: chr16-89810975-G-A. GRCh37 (hg19) VCF-style: chr16-89877383-G-A.
Other names: c.380C>T, p.Ala127Val (NM_001018112.3, NM_001286167.3, NM_001351830.2); c.380C>T (NM_000135.2); short protein forms A127V.
Identifiers: ClinVar variation 1373120 (VCV001373120.9), dbSNP rs2143679916, ClinGen allele CA397480939.